The following is an entry in ClinVar:

NM_000094.4(COL7A1):c.4048-1G>T

Gene: COL7A1 (collagen type VII alpha 1 chain; minus strand). Cytogenetic location: 3p21.31.
Variant type: single nucleotide variant.
Coding change: c.4048-1G>T on transcript NM_000094.4 (MANE Select); the canonical splice acceptor site of the intron before coding-DNA position 4048, G replaced by T.
Molecular consequence: splice acceptor variant.
Genome position (GRCh38, 1-based): chr3:48,584,557, C>A on the plus strand (G>T on the coding strand, the complement: COL7A1 is on the minus strand). VCF-style: chr3-48584557-C-A. GRCh37 (hg19) VCF-style: chr3-48621990-C-A.
Identifiers: ClinVar variation 931094 (VCV000931094.5), dbSNP rs2045079112, ClinGen allele CA352696270.

ClinVar aggregate classification (germline): Pathogenic. Review status: criteria provided, multiple submitters, no conflicts (2 of 4 stars). 2 submissions from 2 submitters: Pathogenic (2). Last evaluated 2024-01-28.

Conditions:
Epidermolysis bullosa pruriginosa. Also called: DEB, PRURIGINOSA; DYSTROPHIC EPIDERMOLYSIS BULLOSA PRURIGINOSA. Identifiers: Orphanet 89843, MedGen C1275114, MONDO:0011398, OMIM 604129.

Submissions (2):

Labcorp Genetics (formerly Invitae), Labcorp
Classification: Pathogenic. Last evaluated: 2024-01-28. Review status: criteria provided, single submitter. Criteria: Invitae Variant Classification Sherloc (09022015). Collection method: clinical testing. Allele origin: germline.
Comment: This sequence change affects an acceptor splice site in intron 34 of the COL7A1 gene. It is expected to disrupt splicing. Variants that disrupt the donor or acceptor splice site typically lead to a loss of protein function (PMID: 16199547), and loss-of-function variants in COL7A1 are known to be disease-causing for autosomal recessive dystrophic epidermolysis bullosa (PMID: 16971478). However, certain variants affecting donor or acceptor splice sites in the triple helical domain of COL7A1 are expected to result in in-frame exon skipping and have been reported to cause autosomal dominant dystrophic epidermolysis bullosa (PMID: 31670143). This variant is not present in population databases (gnomAD no frequency). Disruption of this splice site has been observed in individual(s) with autosomal recessive epidermolysis bullosa dystrophica (PMID: 26143532). ClinVar contains an entry for this variant (Variation ID: 931094). Algorithms developed to predict the effect of sequence changes on RNA splicing suggest that this variant may disrupt the consensus splice site. For these reasons, this variant has been classified as Pathogenic.

Centre for Mendelian Genomics, University Medical Centre Ljubljana
Classification: Pathogenic for Epidermolysis bullosa pruriginosa. Last evaluated: 2019-01-16. Review status: criteria provided, single submitter. Criteria: ACMG Guidelines, 2015. Collection method: clinical testing. Allele origin: unknown. Affected: yes.
Comment: This variant was classified as: Pathogenic. The following ACMG criteria were applied in classifying this variant: PVS1PM2inPP4. This variant was detected in homozygous state.

Literature cited by the submitters: PubMed 16199547 (cited by Labcorp Genetics (formerly Invitae), Labcorp); PubMed 16971478 (cited by Labcorp Genetics (formerly Invitae), Labcorp); PubMed 31670143 (cited by Labcorp Genetics (formerly Invitae), Labcorp); PubMed 26143532 (cited by Labcorp Genetics (formerly Invitae), Labcorp).